The following is an entry in ClinVar:

ClinVar aggregate classification (germline): Uncertain significance. Review status: criteria provided, multiple submitters, no conflicts (2 of 4 stars). 3 submissions from 3 submitters: Uncertain significance (3). Last evaluated 2025-02-06.

Conditions:
Familial thoracic aortic aneurysm and aortic dissection (TAAD). Also called: Thoracic aortic aneurysms and dissections. Identifiers: Orphanet 91387, MedGen C4707243, MONDO:0019625.

Allele frequency attached by ClinVar (database versions not stated): gnomAD exomes below 0.00001; TOPMed below 0.00001.
gnomAD v4.1: 2 of 1,614,046 alleles (0.00012%); highest among the groups gnomAD compares: Non-Finnish European, 0.000085%; no homozygotes.

Submissions (3):

Ambry Genetics
Classification: Uncertain significance for Familial thoracic aortic aneurysm and aortic dissection. Last evaluated: 2025-02-06. Review status: criteria provided, single submitter. Criteria: Ambry Variant Classification Scheme 2023. Collection method: clinical testing. Allele origin: germline.
Comment: The p.E93G variant (also known as c.278A>G), located in coding exon 3 of the TGFBR2 gene, results from an A to G substitution at nucleotide position 278. The glutamic acid at codon 93 is replaced by glycine, an amino acid with similar properties. This amino acid position is conserved. In addition, this alteration is predicted to be tolerated by in silico analysis. Based on the available evidence, the clinical significance of this variant remains unclear.

Labcorp Genetics (formerly Invitae), Labcorp
Classification: Uncertain significance for Familial thoracic aortic aneurysm and aortic dissection. Last evaluated: 2024-05-27. Review status: criteria provided, single submitter. Criteria: Invitae Variant Classification Sherloc (09022015). Collection method: clinical testing. Allele origin: germline.
Comment: This sequence change replaces glutamic acid, which is acidic and polar, with glycine, which is neutral and non-polar, at codon 93 of the TGFBR2 protein (p.Glu93Gly). This variant is present in population databases (no rsID available, gnomAD no frequency). This variant has not been reported in the literature in individuals affected with TGFBR2-related conditions. ClinVar contains an entry for this variant (Variation ID: 1332398). Advanced modeling of protein sequence and biophysical properties (such as structural, functional, and spatial information, amino acid conservation, physicochemical variation, residue mobility, and thermodynamic stability) performed at Invitae indicates that this missense variant is not expected to disrupt TGFBR2 protein function with a negative predictive value of 95%. In summary, the available evidence is currently insufficient to determine the role of this variant in disease. Therefore, it has been classified as a Variant of Uncertain Significance.

Color Diagnostics, LLC DBA Color Health
Classification: Uncertain significance for Familial thoracic aortic aneurysm and aortic dissection. Last evaluated: 2024-03-06. Review status: criteria provided, single submitter. Criteria: ACMG Guidelines, 2015. Collection method: clinical testing. Allele origin: germline.
Comment: This missense variant replaces glutamic acid with glycine at codon 93 of the TGFBR2 protein. Computational prediction suggests that this variant may not impact protein structure and function (internally defined REVEL score threshold <= 0.5, PMID: 27666373). To our knowledge, functional studies have not been reported for this variant. This variant has not been reported in individuals affected with cardiovascular disorders in the literature. This variant has been identified in 1/250944 chromosomes in the general population by the Genome Aggregation Database (gnomAD). The available evidence is insufficient to determine the role of this variant in disease conclusively. Therefore, this variant is classified as a Variant of Uncertain Significance.

NM_003242.6(TGFBR2):c.278A>G (p.Glu93Gly)

Gene: TGFBR2 (transforming growth factor beta receptor 2; plus strand). Cytogenetic location: 3p24.1.
Variant type: single nucleotide variant.
Coding change: c.278A>G on transcript NM_003242.6 (MANE Select); coding-DNA position 278, A replaced by G.
Protein change: p.Glu93Gly; replaces glutamic acid 93 with glycine.
Molecular consequence: missense variant.
Genome position (GRCh38, 1-based): chr3:30,650,284, A>G. VCF-style: chr3-30650284-A-G. GRCh37 (hg19) VCF-style: chr3-30691776-A-G.
Other names: c.353A>G, p.Glu118Gly (NM_001024847.3, NM_001407126.1, NM_001407139.1); c.278A>G, p.Glu93Gly (NM_001407127.1, NM_001407130.1); c.305A>G, p.Glu102Gly (NM_001407128.1); c.173A>G, p.Glu58Gly (NM_001407129.1, NM_001407132.1, NM_001407133.1 and 3 more transcripts); short protein forms E118G, E93G, E102G, E58G.
Identifiers: ClinVar variation 1332398 (VCV001332398.7), dbSNP rs1182342277, ClinGen allele CA351806729.